The following is an entry in ClinVar:

NM_001035.3(RYR2):c.3767C>T (p.Pro1256Leu)

Genes: RYR2 (ryanodine receptor 2; plus strand), LOC126806067 (BRD4-independent group 4 enhancer GRCh37_chr1:237753258-237754457; plus strand). Cytogenetic location: 1q43.
Variant type: single nucleotide variant.
Coding change: c.3767C>T on transcript NM_001035.3 (MANE Select); coding-DNA position 3767, C replaced by T.
Protein change: p.Pro1256Leu; replaces proline 1256 with leucine.
Molecular consequence: missense variant.
Genome position (GRCh38, 1-based): chr1:237,589,961, C>T. VCF-style: chr1-237589961-C-T. GRCh37 (hg19) VCF-style: chr1-237753261-C-T.
Other names: c.3767C>T, p.Pro1256Leu (LRG_402t1); short protein forms P1256L.
Identifiers: ClinVar variation 487620 (VCV000487620.26), dbSNP rs773915323, ClinGen allele CA086441.

ClinVar aggregate classification (germline): Uncertain significance. Review status: criteria provided, multiple submitters, no conflicts (2 of 4 stars). 7 submissions from 7 submitters: Uncertain significance (6). 1 of the submissions does not count toward it. Last evaluated 2024-12-15.

Conditions:
Cardiomyopathy (CMYO). Also called: Cardiomyopathies. Identifiers: Orphanet 167848, MedGen C0878544, MONDO:0004994, HP:0001638. Inheritance: Various modes of inheritance.
Ventricular arrhythmias due to cardiac ryanodine receptor calcium release deficiency syndrome. Also called: Autosomal dominant cardiac arrhythmia (Kuhn). Identifiers: MedGen C5542154, MONDO:0020745, OMIM 115000.
Arrhythmogenic right ventricular dysplasia 2. Identifiers: MedGen C1832931.
Catecholaminergic polymorphic ventricular tachycardia 1. Also called: RYR2-Related Catecholaminergic Polymorphic Ventricular Tachycardia; VENTRICULAR TACHYCARDIA, CATECHOLAMINERGIC POLYMORPHIC, 1, WITH OR WITHOUT ATRIAL DYSFUNCTION AND/OR DILATED CARDIOMYOPATHY; VENTRICULAR TACHYCARDIA, STRESS-INDUCED POLYMORPHIC 1. Identifiers: Orphanet 3286, MedGen C1631597, MONDO:0011484, OMIM 604772.
Cardiovascular phenotype. Identifiers: MedGen CN230736.
Catecholaminergic polymorphic ventricular tachycardia (CVPT). Also called: Catecholamine-induced polymorphic ventricular tachycardia. Identifiers: Orphanet 3286, MedGen C5574922, MONDO:0017990.
Wolff-Parkinson-White pattern. Also called: WPW SYNDROME; Auriculoventricular accessory pathway syndrome; False bundle branch block syndrome; Anomalous ventricular excitation syndrome. Identifiers: MedGen C0043202, MONDO:0008685, OMIM 194200, HP:0001716.

Allele frequency attached by ClinVar (database versions not stated): TOPMed below 0.00001; gnomAD 0.00001; ExAC 0.00002; gnomAD exomes 0.00002.
gnomAD v4.1: 33 of 1,613,752 alleles (0.002%); highest among the groups gnomAD compares: Non-Finnish European, 0.0025%; no homozygotes.

Submissions (7):

Labcorp Genetics (formerly Invitae), Labcorp
Classification: Uncertain significance for Catecholaminergic polymorphic ventricular tachycardia 1. Last evaluated: 2024-12-15. Review status: criteria provided, single submitter. Criteria: Invitae Variant Classification Sherloc (09022015). Collection method: clinical testing. Allele origin: germline.
Comment: This sequence change replaces proline, which is neutral and non-polar, with leucine, which is neutral and non-polar, at codon 1256 of the RYR2 protein (p.Pro1256Leu). This variant is present in population databases (rs773915323, gnomAD 0.003%). This missense change has been observed in individual(s) with RYR2-related conditions (PMID: 32233023). ClinVar contains an entry for this variant (Variation ID: 487620). Invitae Evidence Modeling of protein sequence and biophysical properties (such as structural, functional, and spatial information, amino acid conservation, physicochemical variation, residue mobility, and thermodynamic stability) has been performed for this missense variant. However, the output from this modeling did not meet the statistical confidence thresholds required to predict the impact of this variant on RYR2 protein function. In summary, the available evidence is currently insufficient to determine the role of this variant in disease. Therefore, it has been classified as a Variant of Uncertain Significance.

GeneDx
Classification: Uncertain significance. Last evaluated: 2024-10-03. Review status: criteria provided, single submitter. Criteria: GeneDx Variant Classification Process June 2021. Collection method: clinical testing. Allele origin: germline. Affected: yes.
Comment: Identified in a patient with Wolf-Parkinson-White syndrome and SVT who harbored several additional variants of uncertain significance (PMID: 32233023); Not observed at significant frequency in large population cohorts (gnomAD); Not located in one of the three hot-spot regions of the RYR2 gene, where the majority of pathogenic missense variants occur (PMID: 19926015); In silico analysis supports that this missense variant has a deleterious effect on protein structure/function; This variant is associated with the following publications: (PMID: 19926015, 32233023)

All of Us Research Program, National Institutes of Health
Classification: Uncertain significance for Catecholaminergic polymorphic ventricular tachycardia. Last evaluated: 2024-04-16. Review status: criteria provided, single submitter. Criteria: ACMG Guidelines, 2015. Collection method: clinical testing. Allele origin: germline. Inheritance: Autosomal dominant inheritance. Observed: 5 variant alleles, 5 heterozygotes.
Comment: This variant is located in the RYR2 protein. Computational prediction is inconclusive regarding the impact of this variant on protein structure and function (internally defined REVEL score threshold 0.5 < inconclusive < 0.7, PMID: 27666373). To our knowledge, functional studies have not been reported for this variant. This variant has been reported in an individual affected with Wolff-Parkinson-White syndrome, a relatively common arrhythmia (PMID: 32233023). This variant has been identified in 5/280366 chromosomes in the general population by the Genome Aggregation Database (gnomAD). The available evidence is insufficient to determine the role of this variant in disease conclusively. Therefore, this variant is classified as a Variant of Uncertain Significance.

This study involves interpretation of variants in research participants for the purpose of population health screening. Participant phenotype was not available at the time of variant classification. Additional details can be found in publication PMID: 35346344, PMCID: PMC8962531

Color Diagnostics, LLC DBA Color Health
Classification: Uncertain significance for Cardiomyopathy. Last evaluated: 2024-04-05. Review status: criteria provided, single submitter. Criteria: ACMG Guidelines, 2015. Collection method: clinical testing. Allele origin: germline.
Comment: This variant is located in the RYR2 protein. Computational prediction is inconclusive regarding the impact of this variant on protein structure and function (internally defined REVEL score threshold 0.5 < inconclusive < 0.7, PMID: 27666373). To our knowledge, functional studies have not been reported for this variant. This variant has been reported in an individual affected with Wolff-Parkinson-White syndrome, a relatively common arrhythmia (PMID: 32233023). This variant has been identified in 5/280366 chromosomes in the general population by the Genome Aggregation Database (gnomAD). The available evidence is insufficient to determine the role of this variant in disease conclusively. Therefore, this variant is classified as a Variant of Uncertain Significance.

Fulgent Genetics
Classification: Uncertain significance for Ventricular arrhythmias due to cardiac ryanodine receptor calcium release deficiency syndrome; Catecholaminergic polymorphic ventricular tachycardia 1. Last evaluated: 2021-11-24. Review status: criteria provided, single submitter. Criteria: ACMG Guidelines, 2015. Collection method: clinical testing. Allele origin: unknown.

Ambry Genetics
Classification: Uncertain significance for Cardiovascular phenotype. Last evaluated: 2021-07-22. Review status: criteria provided, single submitter. Criteria: Ambry Variant Classification Scheme 2023. Collection method: clinical testing. Allele origin: germline.
Comment: The p.P1256L variant (also known as c.3767C>T), located in coding exon 30 of the RYR2 gene, results from a C to T substitution at nucleotide position 3767. The proline at codon 1256 is replaced by leucine, an amino acid with similar properties. This amino acid position is well conserved in available vertebrate species. In addition, this alteration is predicted to be deleterious by in silico analysis. Since supporting evidence is limited at this time, the clinical significance of this alteration remains unclear.

Lupski Lab, Baylor-Hopkins CMG, Baylor College of Medicine
Classification: Uncertain significance for Wolff-Parkinson-White pattern. Last evaluated: 2017-07-14. Review status: no assertion criteria provided. Collection method: research. Allele origin: inherited. Affected: yes. Observed: 1 variant allele. Study: Candidate_variants_in_patients_with_ Wolff-Parkinson-White Syndrome. Not counted in ClinVar's aggregate classification.

Literature cited by the submitters: PubMed 32233023 (cited by 3 submitters).